The following is an entry in ClinVar:

ClinVar aggregate classification (germline): Uncertain significance (1 of 4 stars; one submission).

Conditions:
KBG syndrome (KBGS). Also called: ANKRD11-Related KBG Syndrome. Identifiers: Orphanet 2332, MedGen C0220687, MONDO:0007846, OMIM 148050.

Submission:

Labcorp Genetics (formerly Invitae), Labcorp
Classification: Uncertain significance for KBG syndrome. Last evaluated: 2022-04-07. Review status: criteria provided, single submitter. Criteria: Invitae Variant Classification Sherloc (09022015). Collection method: clinical testing. Allele origin: germline.
Comment: In summary, the available evidence is currently insufficient to determine the role of this variant in disease. Therefore, it has been classified as a Variant of Uncertain Significance. Advanced modeling of protein sequence and biophysical properties (such as structural, functional, and spatial information, amino acid conservation, physicochemical variation, residue mobility, and thermodynamic stability) performed at Invitae indicates that this missense variant is not expected to disrupt ANKRD11 protein function. This variant has not been reported in the literature in individuals affected with ANKRD11-related conditions. This variant is not present in population databases (gnomAD no frequency). This sequence change replaces lysine, which is basic and polar, with asparagine, which is neutral and polar, at codon 2146 of the ANKRD11 protein (p.Lys2146Asn).

NM_013275.6(ANKRD11):c.6438A>T (p.Lys2146Asn)

Gene: ANKRD11 (ankyrin repeat domain 11; minus strand). Cytogenetic location: 16q24.3.
Variant type: single nucleotide variant.
Coding change: c.6438A>T on transcript NM_013275.6 (MANE Select); coding-DNA position 6438, A replaced by T.
Protein change: p.Lys2146Asn; replaces lysine 2146 with asparagine.
Molecular consequence: missense variant.
Genome position (GRCh38, 1-based): chr16:89,280,104, T>A on the plus strand (A>T on the coding strand, the complement: ANKRD11 is on the minus strand). VCF-style: chr16-89280104-T-A. GRCh37 (hg19) VCF-style: chr16-89346512-T-A.
Other names: c.6438A>T, p.Lys2146Asn (NM_001256182.2, NM_001256183.2); short protein forms K2146N.
Identifiers: ClinVar variation 2122692 (VCV002122692.4), dbSNP rs2544222302, ClinGen allele CA397151154.
Genomic context (GRCh38, chr16:89,280,104, plus strand): 5'-CATCTCTTCTGGAGGAGCAAGACTTTCTTCCACGGGTTCCGCTTCACCATCTGCGGCATC[T>A]TTAGTCTGCAGGGGAAGCTCCGGCAGGGAGAAGGGCCCCAGGTCCAGGTCGTCCTCGGGG-3'
Protein context (NP_037407.4, residues 2136-2156): FSLPELPLQT[Lys2146Asn]DAADGEAEPV